The following is an entry in ClinVar:

ClinVar aggregate classification (germline): Uncertain significance (1 of 4 stars; one submission).

Conditions:
Dilated cardiomyopathy 1G (CMD1G). Identifiers: Orphanet 154, MedGen C1858763, MONDO:0011400, OMIM 604145.
Autosomal recessive limb-girdle muscular dystrophy type 2J (LGMDR10). Also called: Limb-girdle muscular dystrophy, type 2J; MUSCULAR DYSTROPHY, LIMB-GIRDLE, AUTOSOMAL RECESSIVE 10. Identifiers: Orphanet 140922, MedGen C1837342, MONDO:0012127, OMIM 608807.

Submission:

Labcorp Genetics (formerly Invitae), Labcorp
Classification: Uncertain significance for Dilated cardiomyopathy 1G; Autosomal recessive limb-girdle muscular dystrophy type 2J. Last evaluated: 2024-02-24. Review status: criteria provided, single submitter. Criteria: Invitae Variant Classification Sherloc (09022015). Collection method: clinical testing. Allele origin: germline.
Comment: This sequence change replaces glycine, which is neutral and non-polar, with alanine, which is neutral and non-polar, at codon 33658 of the TTN protein (p.Gly33658Ala). This variant is not present in population databases (gnomAD no frequency). This variant has not been reported in the literature in individuals affected with TTN-related conditions. ClinVar contains an entry for this variant (Variation ID: 1436653). Experimental studies and prediction algorithms are not available or were not evaluated, and the functional significance of this variant is currently unknown. This variant is located in the M band of TTN (PMID: 25589632). Non-truncating variants in this region may be relevant for neuromuscular disorders, but have not been definitively shown to cause cardiomyopathy (PMID: 23975875). In summary, the available evidence is currently insufficient to determine the role of this variant in disease. Therefore, it has been classified as a Variant of Uncertain Significance.

Literature cited by the submitters: PubMed 25589632; PubMed 23975875.

NM_001267550.2(TTN):c.100973G>C (p.Gly33658Ala)

Genes: TTN-AS1 (TTN antisense RNA 1; plus strand), TTN (titin; minus strand). Cytogenetic location: 2q31.2.
Variant type: single nucleotide variant.
Coding change: c.100973G>C on transcript NM_001267550.2 (MANE Select); coding-DNA position 100973, G replaced by C.
Protein change: p.Gly33658Ala; replaces glycine 33658 with alanine.
Molecular consequence: missense variant.
Genome position (GRCh38, 1-based): chr2:178,535,642, C>G on the plus strand (G>C on the coding strand, the complement: TTN is on the minus strand). VCF-style: chr2-178535642-C-G. GRCh37 (hg19) VCF-style: chr2-179400369-C-G.
Other names: c.96050G>C, p.Gly32017Ala (NM_001256850.1); c.73778G>C, p.Gly24593Ala (NM_003319.4); c.93269G>C, p.Gly31090Ala (NM_133378.4); c.74153G>C, p.Gly24718Ala (NM_133432.3); c.74354G>C, p.Gly24785Ala (NM_133437.4); short protein forms G24593A, G24785A, G31090A, G32017A, G33658A, G24718A.
Identifiers: ClinVar variation 1436653 (VCV001436653.6), dbSNP rs2154136811, ClinGen allele CA349422215.